The following is an entry in ClinVar:

ClinVar aggregate classification (germline): Uncertain significance (1 of 4 stars; one submission).

Conditions:
Combined immunodeficiency with skin granulomas. Identifiers: Orphanet 157949, MedGen C2673536, MONDO:0009306, OMIM 233650.
Severe combined immunodeficiency, autosomal recessive, T cell-negative, B cell-negative, NK cell-positive. Also called: SCID, AR, T-cell negative, B-cell negative, NK cell-positive; Severe combined immunodeficiency due to complete RAG1/2 deficiency; SCID, T CELL-NEGATIVE, B CELL-NEGATIVE, NK CELL-POSITIVE. Identifiers: Orphanet 331206, MedGen C1832322, MONDO:0011086, OMIM 601457.

Allele frequency attached by ClinVar (database versions not stated): gnomAD exomes below 0.00001; gnomAD 0.00001; TOPMed 0.00001.
gnomAD v4.1: 3 of 1,614,002 alleles (0.00019%); highest among the groups gnomAD compares: Non-Finnish European, 0.00017%; no homozygotes.

Submission:

Labcorp Genetics (formerly Invitae), Labcorp
Classification: Uncertain significance for Combined immunodeficiency with skin granulomas; Severe combined immunodeficiency, autosomal recessive, T cell-negative, B cell-negative, NK cell-positive. Last evaluated: 2022-07-30. Review status: criteria provided, single submitter. Criteria: Invitae Variant Classification Sherloc (09022015). Collection method: clinical testing. Allele origin: germline.
Comment: This sequence change replaces serine, which is neutral and polar, with asparagine, which is neutral and polar, at codon 913 of the RAG1 protein (p.Ser913Asn). This variant is not present in population databases (gnomAD no frequency). This variant has not been reported in the literature in individuals affected with RAG1-related conditions. Algorithms developed to predict the effect of missense changes on protein structure and function are either unavailable or do not agree on the potential impact of this missense change (SIFT: "Deleterious"; PolyPhen-2: "Probably Damaging"; Align-GVGD: "Class C0"). In summary, the available evidence is currently insufficient to determine the role of this variant in disease. Therefore, it has been classified as a Variant of Uncertain Significance.

NM_000448.3(RAG1):c.2738G>A (p.Ser913Asn)

Gene: RAG1 (recombination activating 1; plus strand). Cytogenetic location: 11p12.
Variant type: single nucleotide variant.
Coding change: c.2738G>A on transcript NM_000448.3 (MANE Select); coding-DNA position 2738, G replaced by A.
Protein change: p.Ser913Asn; replaces serine 913 with asparagine.
Molecular consequence: missense variant.
Genome position (GRCh38, 1-based): chr11:36,576,042, G>A. VCF-style: chr11-36576042-G-A. GRCh37 (hg19) VCF-style: chr11-36597592-G-A.
Other names: c.2738G>A, p.Ser913Asn (NM_001377277.1, NM_001377278.1, NM_001377279.1 and 1 more transcripts); short protein forms S913N.
Identifiers: ClinVar variation 1714412 (VCV001714412.5), dbSNP rs1850844726, ClinGen allele CA380135105.